The following is an entry in ClinVar:

ClinVar aggregate classification (germline): Likely benign (1 of 4 stars; one submission).

Conditions:
CENPE-related disorder. Also called: CENPE-related condition.

Submission:

PreventionGenetics, part of Exact Sciences
Classification: Likely benign for CENPE-related condition. Last evaluated: 2025-08-24. Review status: criteria provided, single submitter. Criteria: ACMG Guidelines, 2015. Collection method: clinical testing. Allele origin: germline.
Comment: This variant is classified as likely benign based on ACMG/AMP sequence variant interpretation guidelines (Richards et al. 2015 PMID: 25741868, with internal and published modifications).

NM_001813.3(CENPE):c.1965+4_1965+7del

Gene: CENPE (centromere protein E; minus strand). Cytogenetic location: 4q24.
Variant type: Deletion.
Coding change: c.1965+4_1965+7del on transcript NM_001813.3 (MANE Select); bases 4 to 7 of the intron after coding-DNA position 1965, 4 bases deleted (AGTA; older notation c.1965+4_1965+7delAGTA).
Molecular consequence: splice donor variant.
Genome position (GRCh38, 1-based): chr4:103,161,328-103,161,331, TACT deleted on the plus strand (AGTA on the coding strand, the reverse complement: CENPE is on the minus strand); deleting any 4 consecutive bases within chr4:103,161,328-103,161,334 gives the same sequence; the c. name uses the placement nearest the transcript's 3' end. VCF-style (leftmost placement, unchanged base first): chr4-103161327-ATACT-A. GRCh37 (hg19) VCF-style: chr4-104082484-ATACT-A.
Other names: c.1890+4_1890+7del (NM_001286734.2).
Identifiers: ClinVar variation 4979607 (VCV004979607.1).